The following is an entry in ClinVar:

ClinVar aggregate classification (germline): Conflicting classifications of pathogenicity. Review status: criteria provided, conflicting classifications (1 of 4 stars). 2 submissions from 2 submitters: Uncertain significance (1); Likely benign (1). Last evaluated 2026-06-22.

Conditions:
Deafness-lymphedema-leukemia syndrome. Also called: Emberger syndrome; Lymphedema, primary, with myelodysplasia. Identifiers: Orphanet 3226, MedGen C3279664, MONDO:0013540, OMIM 614038.
Monocytopenia with susceptibility to infections. Also called: MONOCYTOPENIA AND MYCOBACTERIAL INFECTION SYNDROME; MONOCYTOPENIA WITH SUSCEPTIBILITY TO MYCOBACTERIAL, FUNGAL, AND PAPILLOMAVIRUS INFECTIONS AND MYELODYSPLASIA; COMBINED IMMUNODEFICIENCY WITH SUSCEPTIBILITY TO MYCOBACTERIAL, VIRAL, AND FUNGAL INFECTIONS; Dendritic cell, monocyte, B lymphocyte, and natural killer lymphocyte deficiency; GATA2 DEFICIENCY; IMMUNODEFICIENCY 21. Identifiers: Orphanet 228423, MedGen C3280030, MONDO:0013607, OMIM 614172.
Inborn genetic diseases. Identifiers: MedGen C0950123, MeSH D030342.

Submissions (2):

Ambry Genetics
Classification: Uncertain significance for Inborn genetic diseases. Last evaluated: 2026-06-22. Review status: criteria provided, single submitter. Criteria: Ambry Variant Classification Scheme 2023. Collection method: clinical testing. Allele origin: germline.
Comment: The c.372G>C variant (also known as p.T124T), located in coding exon 2 of the GATA2 gene, results from a G to C substitution at nucleotide position 372. This nucleotide substitution does not change the threonine at codon 124. However, this change occurs in the base pair of coding exon 2, which makes it likely to have some effect on normal mRNA splicing. This nucleotide position is poorly conserved in available vertebrate species. In silico splice site analysis for this alteration is inconclusive. Based on the available evidence, the clinical significance of this variant remains unclear.

Labcorp Genetics (formerly Invitae), Labcorp
Classification: Likely benign for Monocytopenia with susceptibility to infections; Deafness-lymphedema-leukemia syndrome. Last evaluated: 2023-10-27. Review status: criteria provided, single submitter. Criteria: Invitae Variant Classification Sherloc (09022015). Collection method: clinical testing. Allele origin: germline.

NM_032638.5(GATA2):c.372G>C (p.Thr124=)

Gene: GATA2 (GATA binding protein 2; minus strand). Cytogenetic location: 3q21.3.
Variant type: single nucleotide variant.
Coding change: c.372G>C on transcript NM_032638.5 (MANE Select); coding-DNA position 372, G replaced by C.
Protein change: p.Thr124=; no amino-acid change (threonine 124 retained).
Molecular consequence: synonymous variant.
Genome position (GRCh38, 1-based): chr3:128,486,226, C>G on the plus strand (G>C on the coding strand, the complement: GATA2 is on the minus strand). VCF-style: chr3-128486226-C-G. GRCh37 (hg19) VCF-style: chr3-128205069-C-G.
Other names: c.372G>C, p.Thr124= (NM_001145661.2, NM_001145662.1).
Identifiers: ClinVar variation 2931223 (VCV002931223.4), dbSNP rs1462031219, ClinGen allele CA435764019.